The following is an entry in ClinVar:

NM_144992.5(VWA3B):c.655G>T (p.Glu219Ter)

Gene: VWA3B (von Willebrand factor A domain containing 3B; plus strand). Cytogenetic location: 2q11.2.
Variant type: single nucleotide variant.
Coding change: c.655G>T on transcript NM_144992.5 (MANE Select); coding-DNA position 655, G replaced by T.
Protein change: p.Glu219Ter; replaces glutamic acid 219 with a stop codon.
Molecular consequence: nonsense. On other transcripts: non-coding transcript variant (3).
Genome position (GRCh38, 1-based): chr2:98,121,411, G>T. VCF-style: chr2-98121411-G-T. GRCh37 (hg19) VCF-style: chr2-98737874-G-T.
Other names: short protein forms E219*.
Identifiers: ClinVar variation 756020 (VCV000756020.29), dbSNP rs139296152, ClinGen allele CA1792274.
Genomic context (GRCh38, chr2:98,121,411, plus strand): 5'-CAGTCCATAGCTACTGCCATCAGTTGGGTTGAGAAACTGACGGTTGAGCTGACTGTGAGC[G>T]AGGCTGGCCGCCTGGATGCTCTGCTGGAAGCCGGGAGAGACAAGACTGTAAGTGCGTGTT-3'

ClinVar aggregate classification (germline): Benign/Likely benign. Review status: criteria provided, multiple submitters, no conflicts (2 of 4 stars). 3 submissions from 3 submitters: Benign (2); Likely benign (1). Last evaluated 2026-04-08.

Allele frequency attached by ClinVar (database versions not stated): gnomAD 0.00019 and 0.00029; TOPMed 0.00037; gnomAD exomes 0.00059; ExAC 0.00065; 1000 Genomes Project 0.00180; 1000 Genomes Project 30x 0.00203.
gnomAD v4.1: 677 of 1,614,214 alleles (0.042%); highest among the groups gnomAD compares: East Asian, 1.3%; 7 homozygotes.

Submissions (3):

Women's Health and Genetics/Laboratory Corporation of America, LabCorp
Classification: Benign. Last evaluated: 2026-04-08. Review status: criteria provided, single submitter. Criteria: LabCorp Variant Classification Summary - May 2015. Collection method: clinical testing. Allele origin: germline.
Comment: Variant summary: VWA3B c.655G>T (p.Glu219X) results in a premature termination codon, predicted to cause a truncation of the encoded protein or absence of the protein due to nonsense mediated decay, however current evidence is not sufficient to establish loss of function as a mechanism for disease. The variant allele was found at a frequency of 0.00059 in 249560 control chromosomes, predominantly at a frequency of 0.007 within the East Asian subpopulation in the gnomAD database, including 2 homozygotes. The observed variant frequency within East Asian control individuals in the gnomAD database exceeds the estimated maximal expected allele frequency for disease-causing variants in VWA3B. To our knowledge, no occurrence of c.655G>T in individuals affected with VWA3B-related conditions and no experimental evidence demonstrating its impact on protein function have been reported. ClinVar contains an entry for this variant (Variation ID: 756020). Based on the evidence outlined above, the variant was classified as benign.

CeGaT Center for Human Genetics Tuebingen
Classification: Likely benign. Last evaluated: 2023-01-01. Review status: criteria provided, single submitter. Criteria: CeGaT Center For Human Genetics Tuebingen Variant Classification Criteria Version 2. Collection method: clinical testing. Allele origin: germline. Affected: yes. Observed: 1 variant allele.
Comment: VWA3B: BS2

Labcorp Genetics (formerly Invitae), Labcorp
Classification: Benign. Last evaluated: 2018-07-27. Review status: criteria provided, single submitter. Criteria: Invitae Variant Classification Sherloc (09022015). Collection method: clinical testing. Allele origin: germline.

Literature cited by the submitters: PubMed 28600779 (cited by Women's Health and Genetics/Laboratory Corporation of America, LabCorp).